The following is an entry in ClinVar:

ClinVar aggregate classification (germline): Uncertain significance (1 of 4 stars; one submission).

Conditions:
Hereditary cancer-predisposing syndrome. Also called: Hereditary Cancer Syndrome; Tumor predisposition; Hereditary neoplastic syndrome; Neoplastic Syndromes, Hereditary. Identifiers: Orphanet 140162, MedGen C0027672, MeSH D009386, MONDO:0015356.

gnomAD v4.1: 3 of 1,613,312 alleles (0.00019%); highest among the groups gnomAD compares: African/African-American, 0.0013%; no homozygotes.

Submission:

Ambry Genetics
Classification: Uncertain significance for Hereditary cancer-predisposing syndrome. Last evaluated: 2024-06-07. Review status: criteria provided, single submitter. Criteria: Ambry Variant Classification Scheme 2023. Collection method: clinical testing. Allele origin: germline.
Comment: The c.-4G>T variant is located in the 5' untranslated region (5&rsquo; UTR) of the CDC73 gene. This variant results from a G to T substitution 4 bases upstream from the first translated codon. This nucleotide position is highly conserved in available vertebrate species. Based on the available evidence, the clinical significance of this variant remains unclear.

NM_024529.5(CDC73):c.-4G>T

Gene: CDC73 (cell division cycle 73; plus strand). Cytogenetic location: 1q31.2.
Variant type: single nucleotide variant.
Coding change: c.-4G>T on transcript NM_024529.5 (MANE Select); 4 bases upstream of the start codon, G replaced by T.
Molecular consequence: 5 prime UTR variant.
Genome position (GRCh38, 1-based): chr1:193,122,197, G>T. VCF-style: chr1-193122197-G-T. GRCh37 (hg19) VCF-style: chr1-193091327-G-T.
Identifiers: ClinVar variation 3265048 (VCV003265048.1).
Genomic context (GRCh38, chr1:193,122,197, plus strand): 5'-AAGAAGGAGGCAGGCGCGGCGGCAGCGGCGGCGCCCCGAGCCGGCGGAGGCGAGGGGGGG[G>T]AAGATGGCGGACGTGCTTAGCGTCCTGCGACAGTACAACATCCAGAAGAAGGAGATTGTG-3'